The following is an entry in ClinVar:

ClinVar aggregate classification (germline): Uncertain significance (1 of 4 stars; one submission).

Submission:

GeneDx
Classification: Uncertain significance. Last evaluated: 2024-07-14. Review status: criteria provided, single submitter. Criteria: GeneDx Variant Classification Process June 2021. Collection method: clinical testing. Allele origin: germline. Affected: yes.
Comment: Not observed at significant frequency in large population cohorts (gnomAD); In silico analysis supports that this missense variant has a deleterious effect on protein structure/function; Has not been previously published as pathogenic or benign to our knowledge

NM_001161352.2(KCNMA1):c.3482C>T (p.Pro1161Leu)

Gene: KCNMA1 (potassium calcium-activated channel subfamily M alpha 1; minus strand). Cytogenetic location: 10q22.3.
Variant type: single nucleotide variant.
Coding change: c.3482C>T on transcript NM_001161352.2 (MANE Select); coding-DNA position 3482, C replaced by T.
Protein change: p.Pro1161Leu; replaces proline 1161 with leucine.
Molecular consequence: missense variant.
Genome position (GRCh38, 1-based): chr10:76,887,495, G>A on the plus strand (C>T on the coding strand, the complement: KCNMA1 is on the minus strand). VCF-style: chr10-76887495-G-A. GRCh37 (hg19) VCF-style: chr10-78647253-G-A.
Other names: c.3320C>T, p.Pro1107Leu (NM_001014797.3); c.3431C>T, p.Pro1144Leu (NM_001161353.2); c.3158C>T, p.Pro1053Leu (NM_001271518.2); c.3398C>T, p.Pro1133Leu (NM_001271519.2); c.3317C>T, p.Pro1106Leu (NM_001322829.2, NM_001322836.2); c.3410C>T, p.Pro1137Leu (NM_001322830.2); c.3308C>T, p.Pro1103Leu (NM_001322832.2, NM_001410940.1, NM_002247.4); c.3401C>T, p.Pro1134Leu (NM_001322835.2, NM_001322837.2); and 1 more; short protein forms P1053L, P1103L, P1106L, P1107L, P1133L, P1134L, P1137L, P1144L.
Identifiers: ClinVar variation 3252771 (VCV003252771.1), dbSNP rs2548012679.